The following is an entry in ClinVar:

ClinVar aggregate classification (germline): Uncertain significance (1 of 4 stars; one submission).

Conditions:
Neurodevelopmental disorder with absent language and variable seizures. Also called: ITO-RAYMOND SYNDROME. Identifiers: MedGen C5231469, MONDO:0032876, OMIM 618707.

gnomAD v4.1: 1 of 1,607,304 alleles (0.000062%); highest among the groups gnomAD compares: Non-Finnish European, 0.000085%; no homozygotes.

Submission:

Diagnostics Services (NGS), CSIR - Centre For Cellular And Molecular Biology
Classification: Uncertain significance for Neurodevelopmental disorder with absent language and variable seizures. Last evaluated: 2022-04-20. Review status: criteria provided, single submitter. Criteria: ACMG Guidelines, 2015. Collection method: clinical testing. Allele origin: unknown. Inheritance: Autosomal dominant inheritance. Affected: yes. Observed: 1 variant allele, 1 heterozygote.
Comment: The c.715C>T variant is not present in publicly available population databases like 1000 Genomes, Exome Variant Server (EVS), Exome Aggregation Consortium (ExAC), Genome Aggregation Database (gnomAD) and Indian Exome Database. The variant is not present in our in-house exome database. The variant was not previously reported to ClinVar, Human Genome Mutation Database (HGMD) and/or OMIM databases, in any affected individuals. Predictions from different in-silico pathogenicity prediction programs like SIFT, PolyPhen-2, CADD, Varsome etc. are contradictory. The variant is located near the exon7-intron7 boundary (2 bp splice distance) of WASF1 gene and predicted to affect the splicing of mRNA, however these predictions were not confirmed by any published functional/transcriptional studies.

NM_003931.3(WASF1):c.715C>T (p.Pro239Ser)

Gene: WASF1 (WASP family member 1; minus strand). Cytogenetic location: 6q21.
Variant type: single nucleotide variant.
Coding change: c.715C>T on transcript NM_003931.3 (MANE Select); coding-DNA position 715, C replaced by T.
Protein change: p.Pro239Ser; replaces proline 239 with serine.
Molecular consequence: missense variant.
Genome position (GRCh38, 1-based): chr6:110,103,556, G>A on the plus strand (C>T on the coding strand, the complement: WASF1 is on the minus strand). VCF-style: chr6-110103556-G-A. GRCh37 (hg19) VCF-style: chr6-110424759-G-A.
Other names: c.715C>T, p.Pro239Ser (NM_001024934.2, NM_001024935.2, NM_001024936.2); short protein forms P239S.
Identifiers: ClinVar variation 1691293 (VCV001691293.4), dbSNP rs2114451272, ClinGen allele CA365350665.